The following is an entry in ClinVar:

NM_001370658.1(BTD):c.351_352delinsTT (p.Val118Phe)

Gene: BTD (biotinidase; plus strand). Cytogenetic location: 3p25.1.
Variant type: Indel.
Coding change: c.351_352delinsTT on transcript NM_001370658.1 (MANE Select); coding-DNA positions 351 to 352, GG replaced by TT.
Protein change: p.Val118Phe; replaces valine 118 with phenylalanine.
Molecular consequence: missense variant.
Genome position (GRCh38, 1-based): chr3:15,642,009-15,642,010, GG replaced by TT. VCF-style: chr3-15642009-GG-TT. GRCh37 (hg19) VCF-style: chr3-15683516-GG-TT.
Other names: c.351_352delGGinsTT, p.Val118Phe (NM_001281723.4, NM_001281725.3, NM_001281726.3 and 33 more transcripts); c.351_352delinsTT, p.Val118Phe (NM_001281724.3, NM_001370752.1, NM_001370753.1); c.411_412delGGinsTT, p.Val138Phe (NM_000060.4); c.414_415delGGinsTT, p.Val139Phe (NM_001407381.1); short protein forms V139F, V118F, V138F.
Identifiers: ClinVar variation 2096464 (VCV002096464.2), dbSNP rs2471490000, ClinGen allele CA2580068515.

ClinVar aggregate classification (germline): Uncertain significance (1 of 4 stars; one submission).

Conditions:
Biotinidase deficiency. Also called: Biotin deficiency; BTD deficiency; Late-onset biotin-responsive multiple carboxylase deficiency. Identifiers: Orphanet 79241, MedGen C0220754, MONDO:0009665, OMIM 253260.

Submission:

Labcorp Genetics (formerly Invitae), Labcorp
Classification: Uncertain significance for Biotinidase deficiency. Last evaluated: 2022-06-15. Review status: criteria provided, single submitter. Criteria: Invitae Variant Classification Sherloc (09022015). Collection method: clinical testing. Allele origin: germline.
Comment: In summary, the available evidence is currently insufficient to determine the role of this variant in disease. Therefore, it has been classified as a Variant of Uncertain Significance. Experimental studies and prediction algorithms are not available or were not evaluated, and the functional significance of this variant is currently unknown. This variant has not been reported in the literature in individuals affected with BTD-related conditions. Information on the frequency of this variant in the gnomAD database is not available, as this variant may be reported differently in the database. This sequence change replaces valine, which is neutral and non-polar, with phenylalanine, which is neutral and non-polar, at codon 138 of the BTD protein (p.Val138Phe).